The following is an entry in ClinVar:

ClinVar aggregate classification (germline): Uncertain significance. Review status: criteria provided, multiple submitters, no conflicts (2 of 4 stars). 2 submissions from 2 submitters: Uncertain significance (2). Last evaluated 2025-10-02.

Conditions:
Cardiovascular phenotype. Identifiers: MedGen CN230736.

Allele frequency attached by ClinVar (database versions not stated): gnomAD 0.00001; TOPMed 0.00001; gnomAD exomes 0.00001.

Submissions (2):

Ambry Genetics
Classification: Uncertain significance for Cardiovascular phenotype. Last evaluated: 2025-10-02. Review status: criteria provided, single submitter. Criteria: Ambry Variant Classification Scheme 2023. Collection method: clinical testing. Allele origin: germline.
Comment: The p.M121K variant (also known as c.362T>A), located in coding exon 1 of the KCNE2 gene, results from a T to A substitution at nucleotide position 362. The methionine at codon 121 is replaced by lysine, an amino acid with similar properties. This amino acid position is poorly conserved in available vertebrate species. In addition, this alteration is predicted to be tolerated by in silico analysis. The evidence for this gene-disease relationship is limited; therefore, the clinical significance of this alteration is unclear.

GeneDx
Classification: Uncertain significance. Last evaluated: 2022-02-23. Review status: criteria provided, single submitter. Criteria: GeneDx Variant Classification Process June 2021. Collection method: clinical testing. Allele origin: germline. Affected: yes.
Comment: Reported in a patient with prolonged QT interval in the setting of a potentially QTc-prolonging medication (Roberts et al., 2017); Not observed at significant frequency in large population cohorts (gnomAD); In silico analysis supports that this missense variant does not alter protein structure/function; This variant is associated with the following publications: (PMID: 23631430, 28794082)

Literature cited by the submitters: PubMed 23631430 (cited by Ambry Genetics); PubMed 28794082 (cited by Ambry Genetics).

NM_172201.2(KCNE2):c.362T>A (p.Met121Lys)

Genes: KCNE2 (potassium voltage-gated channel subfamily E regulatory subunit 2; plus strand), LOC105372791 (uncharacterized LOC105372791; minus strand). Cytogenetic location: 21q22.11.
Variant type: single nucleotide variant.
Coding change: c.362T>A on transcript NM_172201.2 (MANE Select); coding-DNA position 362, T replaced by A.
Protein change: p.Met121Lys; replaces methionine 121 with lysine.
Molecular consequence: missense variant.
Genome position (GRCh38, 1-based): chr21:34,370,840, T>A. VCF-style: chr21-34370840-T-A. GRCh37 (hg19) VCF-style: chr21-35743139-T-A.
Other names: p.M121K:ATG>AAG; short protein forms M121K.
Identifiers: ClinVar variation 190795 (VCV000190795.5), dbSNP rs786205807, ClinGen allele CA301985.